The following is an entry in ClinVar:

NM_001394062.1(MACF1):c.2865G>C (p.Trp955Cys)

Gene: MACF1 (microtubule actin crosslinking factor 1; plus strand). Cytogenetic location: 1p34.3.
Variant type: single nucleotide variant.
Coding change: c.2865G>C on transcript NM_001394062.1 (MANE Select); coding-DNA position 2865, G replaced by C.
Protein change: p.Trp955Cys; replaces tryptophan 955 with cysteine.
Molecular consequence: missense variant.
Genome position (GRCh38, 1-based): chr1:39,309,645, G>C. VCF-style: chr1-39309645-G-C. GRCh37 (hg19) VCF-style: chr1-39775317-G-C.
Other names: c.2880G>C, p.Trp960Cys (NM_012090.5); short protein forms W955C, W960C.
Identifiers: ClinVar variation 3777170 (VCV003777170.1).

ClinVar aggregate classification (germline): Uncertain significance (1 of 4 stars; one submission).

Conditions:
Lissencephaly 9 with complex brainstem malformation. Identifiers: Orphanet 572013, MedGen C5193029, MONDO:0032677, OMIM 618325.

Submission:

University of Washington Department of Laboratory Medicine, University of Washington
Classification: Uncertain significance for Lissencephaly 9 with complex brainstem malformation. Last evaluated: 2022-04-29. Review status: criteria provided, single submitter. Criteria: ACMG Guidelines, 2015. Collection method: clinical testing. Allele origin: unknown. Affected: yes.
Comment: The p.Trp960Cys variant in the MACF1 gene has not been previously reported in association with disease and was absent from large population databases, including the Genome Aggregation Database. In silico tools predict that the p.Trp960Cys is deleterious; however, these predictions have not been tested directly. Using ACMG guidelines, this variant was classified as a variant of uncertain significance (ACMG evidence codes used: PM2_supporting, PP3).